The following is an entry in ClinVar:

ClinVar aggregate classification (germline): Uncertain significance (1 of 4 stars; one submission).

gnomAD v4.1: 2 of 1,611,940 alleles (0.00012%); highest among the groups gnomAD compares: Non-Finnish European, 0.00017%; no homozygotes.

Submission:

Ambry Genetics
Classification: Uncertain significance. Last evaluated: 2024-12-23. Review status: criteria provided, single submitter. Criteria: Ambry Variant Classification Scheme 2023. Collection method: clinical testing. Allele origin: germline.
Comment: The p.Q1081H variant (also known as c.3243G>C), located in coding exon 12 of the WNK2 gene, results from a G to C substitution at nucleotide position 3243. The glutamine at codon 1081 is replaced by histidine, an amino acid with highly similar properties. This amino acid position is conserved. In addition, this alteration is predicted to be tolerated by in silico analysis. Based on the available evidence, the clinical significance of this variant remains unclear.

NM_006648.4(WNK2):c.3243G>C (p.Gln1081His)

Gene: WNK2 (WNK lysine deficient protein kinase 2; plus strand). Cytogenetic location: 9q22.31.
Variant type: single nucleotide variant.
Coding change: c.3243G>C on transcript NM_006648.4 (MANE Select); coding-DNA position 3243, G replaced by C.
Protein change: p.Gln1081His; replaces glutamine 1081 with histidine.
Molecular consequence: missense variant.
Genome position (GRCh38, 1-based): chr9:93,261,990, G>C. VCF-style: chr9-93261990-G-C. GRCh37 (hg19) VCF-style: chr9-96024272-G-C.
Other names: c.3243G>C, p.Gln1081His (NM_001282394.3); short protein forms Q1081H.
Identifiers: ClinVar variation 3816616 (VCV003816616.1).
Genomic context (GRCh38, chr9:93,261,990, plus strand): 5'-CGCCCCTGAGCTCCTGCCTCAGTTCCCCAGCTCCCTGGCCACGGTGTCTGCCTCTGTGCA[G>C]AGTGTGCCCACCCAGACTGCCACACTTCTGCCACCAGCAAACCCACCGCTGCCTGGCGGG-3'
Protein context (NP_006639.3, residues 1071-1091): SSLATVSASV[Gln1081His]SVPTQTATLL